The following is an entry in ClinVar:

NM_004519.4(KCNQ3):c.1456A>G (p.Ser486Gly)

Gene: KCNQ3 (potassium voltage-gated channel subfamily Q member 3; minus strand). Cytogenetic location: 8q24.22.
Variant type: single nucleotide variant.
Coding change: c.1456A>G on transcript NM_004519.4 (MANE Select); coding-DNA position 1456, A replaced by G.
Protein change: p.Ser486Gly; replaces serine 486 with glycine.
Molecular consequence: missense variant.
Genome position (GRCh38, 1-based): chr8:132,141,138, T>C on the plus strand (A>G on the coding strand, the complement: KCNQ3 is on the minus strand). VCF-style: chr8-132141138-T-C. GRCh37 (hg19) VCF-style: chr8-133153385-T-C.
Other names: c.1096A>G, p.Ser366Gly (NM_001204824.2); short protein forms S366G, S486G.
Identifiers: ClinVar variation 3653598 (VCV003653598.2).
Genomic context (GRCh38, chr8:132,141,138, plus strand): 5'-TTGGGGGAGGAAGAAGTGGAAGAGACAGGGAGGGAGATAAAAAGGCATTACCTTCAGAAC[T>C]CTGCCAGAAAGCGTAGGCTTTCATGCGGAAGGCCGTGCGGAAACGCTCTTTATTGTTTAA-3'
Protein context (NP_004510.1, residues 476-496): FRMKAYAFWQ[Ser486Gly]SEDAGTGDPM

ClinVar aggregate classification (germline): Uncertain significance (1 of 4 stars; one submission).

Conditions:
Benign neonatal seizures. Also called: Convulsions benign familial neonatal dominant form; Autosomal dominant form of benign neonatal seizures; Benign familial neonatal seizures; Benign neonatal familial convulsions; Benign familial neonatal epilepsy. Identifiers: Orphanet 1949, MedGen C0220669, MONDO:0016027.

gnomAD v4.1: 2 of 1,614,144 alleles (0.00012%); highest among the groups gnomAD compares: South Asian, 0.0022%; no homozygotes.

Submission:

Labcorp Genetics (formerly Invitae), Labcorp
Classification: Uncertain significance for Benign neonatal seizures. Last evaluated: 2025-11-17. Review status: criteria provided, single submitter. Criteria: Invitae Variant Classification Sherloc (09022015). Collection method: clinical testing. Allele origin: germline.
Comment: This sequence change replaces serine, which is neutral and polar, with glycine, which is neutral and non-polar, at codon 486 of the KCNQ3 protein (p.Ser486Gly). This variant is not present in population databases (gnomAD no frequency). This variant has not been reported in the literature in individuals affected with KCNQ3-related conditions. ClinVar contains an entry for this variant (Variation ID: 3653598). Invitae Evidence Modeling of protein sequence and biophysical properties (such as structural, functional, and spatial information, amino acid conservation, physicochemical variation, residue mobility, and thermodynamic stability) indicates that this missense variant is not expected to disrupt KCNQ3 protein function with a negative predictive value of 80%. In summary, the available evidence is currently insufficient to determine the role of this variant in disease. Therefore, it has been classified as a Variant of Uncertain Significance.